The following is an entry in ClinVar:

ClinVar aggregate classification (germline): Uncertain significance (1 of 4 stars; one submission).

Conditions:
Hyperphosphatasia with impaired intellectual development syndrome 2. Also called: Hyperphosphatasia with intellectual disability syndrome 2; GLYCOSYLPHOSPHATIDYLINOSITOL BIOSYNTHESIS DEFECT 6. Identifiers: Orphanet 247262, MedGen C3553637, MONDO:0013882, OMIM 614749.

Allele frequency attached by ClinVar (database versions not stated): gnomAD exomes below 0.00001; TOPMed 0.00001.

Submission:

Labcorp Genetics (formerly Invitae), Labcorp
Classification: Uncertain significance for Hyperphosphatasia with impaired intellectual development syndrome 2. Last evaluated: 2021-08-26. Review status: criteria provided, single submitter. Criteria: Invitae Variant Classification Sherloc (09022015). Collection method: clinical testing. Allele origin: germline.
Comment: This sequence change replaces phenylalanine with tyrosine at codon 525 of the PIGO protein (p.Phe525Tyr). The phenylalanine residue is moderately conserved and there is a small physicochemical difference between phenylalanine and tyrosine. This variant is not present in population databases (ExAC no frequency). This variant has not been reported in the literature in individuals affected with PIGO-related conditions. Algorithms developed to predict the effect of missense changes on protein structure and function are either unavailable or do not agree on the potential impact of this missense change (SIFT: "Tolerated"; PolyPhen-2: "Possibly Damaging"; Align-GVGD: "Class C0"). In summary, the available evidence is currently insufficient to determine the role of this variant in disease. Therefore, it has been classified as a Variant of Uncertain Significance.

NM_032634.4(PIGO):c.1574T>A (p.Phe525Tyr)

Gene: PIGO (phosphatidylinositol glycan anchor biosynthesis class O; minus strand). Cytogenetic location: 9p13.3.
Variant type: single nucleotide variant.
Coding change: c.1574T>A on transcript NM_032634.4 (MANE Select); coding-DNA position 1574, T replaced by A.
Protein change: p.Phe525Tyr; replaces phenylalanine 525 with tyrosine.
Molecular consequence: missense variant. On other transcripts: intron variant (2).
Genome position (GRCh38, 1-based): chr9:35,092,313, A>T on the plus strand (T>A on the coding strand, the complement: PIGO is on the minus strand). VCF-style: chr9-35092313-A-T. GRCh37 (hg19) VCF-style: chr9-35092310-A-T.
Other names: c.1344+230T>A (NM_152850.4, NM_001201484.2); short protein forms F525Y.
Identifiers: ClinVar variation 642136 (VCV000642136.6), dbSNP rs935550232, ClinGen allele CA192711582.